The following is an entry in ClinVar:

ClinVar aggregate classification (germline): Pathogenic (1 of 4 stars; one submission).

Conditions:
Neurofibromatosis, type 1 (NF1). Also called: VON RECKLINGHAUSEN DISEASE; Peripheral type neurofibromatosis; Neurofibromatosis, type I; NEUROFIBROMATOSIS, TYPE I, SOMATIC. Identifiers: Orphanet 636, MedGen C0027831, MONDO:0018975, OMIM 162200. Disease mechanism: loss of function.

Submission:

Labcorp Genetics (formerly Invitae), Labcorp
Classification: Pathogenic for Neurofibromatosis, type 1. Last evaluated: 2024-03-06. Review status: criteria provided, single submitter. Criteria: Invitae Variant Classification Sherloc (09022015). Collection method: clinical testing. Allele origin: germline.
Comment: This sequence change creates a premature translational stop signal (p.Gln181Serfs*10) in the NF1 gene. It is expected to result in an absent or disrupted protein product. Loss-of-function variants in NF1 are known to be pathogenic (PMID: 10712197, 23913538). This variant is not present in population databases (gnomAD no frequency). This variant has not been reported in the literature in individuals affected with NF1-related conditions. Algorithms developed to predict the effect of sequence changes on RNA splicing suggest that this variant may disrupt the consensus splice site. For these reasons, this variant has been classified as Pathogenic.

Literature cited by the submitters: PubMed 10712197; PubMed 23913538.

NM_001042492.3(NF1):c.541del (p.Gln181fs)

Gene: NF1 (neurofibromin 1; plus strand). Cytogenetic location: 17q11.2.
Variant type: Deletion.
Coding change: c.541del on transcript NM_001042492.3 (MANE Select); coding-DNA position 541, one base deleted (C; older notation c.541delC).
Protein change: p.Gln181fs; shifts the reading frame from glutamine 181.
Molecular consequence: frameshift variant.
Genome position (GRCh38, 1-based): chr17:31,169,952, C deleted. VCF-style (leftmost placement, unchanged base first): chr17-31169951-AC-A. GRCh37 (hg19) VCF-style: chr17-29496969-AC-A.
Other names: c.541delC, p.Gln181Serfs (NM_000267.4); c.541del, p.Gln181fs (NM_001128147.3); short protein forms Q181fs.
Identifiers: ClinVar variation 2773147 (VCV002773147.3), dbSNP rs2544719176, ClinGen allele CA2697559762.